The following is an entry in ClinVar:

ClinVar aggregate classification (germline): Likely risk allele. Review status: criteria provided, single submitter (1 of 4 stars). 2 submissions from 2 submitters: Likely risk allele (1). 1 of the submissions does not count toward it.

Conditions:
Diabetes mellitus, transient neonatal, 3 (TNDM3). Identifiers: Orphanet 99886, MedGen C1864623, MONDO:0012522, OMIM 610582. Disease mechanism: loss of function.
Hyperinsulinemic hypoglycemia, familial, 2. Also called: HYPERINSULINEMIC HYPOGLYCEMIA, PERSISTENT; HYPERINSULINISM, NEONATAL. Identifiers: Orphanet 276580, Orphanet 276603, MedGen C2931833, MONDO:0011153, OMIM 601820. Disease mechanism: loss of function.
Permanent neonatal diabetes mellitus 1. Also called: GCK-Related Permanent Neonatal Diabetes Mellitus. Identifiers: MedGen C5393570, MONDO:0100165, OMIM 606176.
Hypoglycemia. Identifiers: MedGen C0020615, MONDO:0004946, HP:0001943.

Allele frequency attached by ClinVar (database versions not stated): gnomAD exomes below 0.00001.
gnomAD v4.1: 3 of 1,612,396 alleles (0.00019%); highest among the groups gnomAD compares: Non-Finnish European, 0.00025%; no homozygotes.

Submissions (2):

Clinical Genomics, Uppaluri K&H Personalized Medicine Clinic
Classification: Likely risk allele for Hypoglycemia. Review status: criteria provided, single submitter. Criteria: K & H Uppaluri Personalized Medicine Clinic Variant Classification & Assertion Criteria_Updated V.1. Collection method: research. Allele origin: somatic. Inheritance: Autosomal dominant inheritance. Affected: yes.
Comment: Mutations in KCNJ11 gene can cause decreased production and secretion of insulin. This can lead to MODY. However, this particular variant (rs1554901747) is associated with hypoglycemia and response to diazoxide.

Counsyl
Classification: Uncertain significance for Hyperinsulinemic hypoglycemia, familial, 2; Permanent neonatal diabetes mellitus 1; Diabetes mellitus, transient neonatal, 3. Last evaluated: 2018-01-16. Review status: no assertion criteria provided. Collection method: clinical testing. Allele origin: unknown. Not counted in ClinVar's aggregate classification.

Literature cited by the submitters: PubMed 31464105 (cited by Clinical Genomics, Uppaluri K&H Personalized Medicine Clinic); PubMed 27908292 (cited by Counsyl).

NM_000525.4(KCNJ11):c.617G>T (p.Arg206Leu)

Gene: KCNJ11 (potassium inwardly rectifying channel subfamily J member 11; minus strand). Cytogenetic location: 11p15.1.
Variant type: single nucleotide variant.
Coding change: c.617G>T on transcript NM_000525.4 (MANE Select); coding-DNA position 617, G replaced by T.
Protein change: p.Arg206Leu; replaces arginine 206 with leucine.
Molecular consequence: missense variant.
Genome position (GRCh38, 1-based): chr11:17,387,475, C>A on the plus strand (G>T on the coding strand, the complement: KCNJ11 is on the minus strand). VCF-style: chr11-17387475-C-A. GRCh37 (hg19) VCF-style: chr11-17409022-C-A.
Other names: c.356G>T, p.Arg119Leu (NM_001166290.2, NM_001377296.1, NM_001377297.1); short protein forms R206L, R119L.
Identifiers: ClinVar variation 556175 (VCV000556175.3), dbSNP rs1554901747, ClinGen allele CA379772137.